The following is an entry in ClinVar:

NM_000294.3(PHKG2):c.455G>A (p.Arg152Gln)

Gene: PHKG2 (phosphorylase kinase catalytic subunit gamma 2; plus strand). Cytogenetic location: 16p11.2.
Variant type: single nucleotide variant.
Coding change: c.455G>A on transcript NM_000294.3 (MANE Select); coding-DNA position 455, G replaced by A.
Protein change: p.Arg152Gln; replaces arginine 152 with glutamine.
Molecular consequence: missense variant.
Genome position (GRCh38, 1-based): chr16:30,753,456, G>A. VCF-style: chr16-30753456-G-A. GRCh37 (hg19) VCF-style: chr16-30764777-G-A.
Other names: c.455G>A, p.Arg152Gln (NM_001172432.2); short protein forms R152Q.
Identifiers: ClinVar variation 4813543 (VCV004813543.1).

ClinVar aggregate classification (germline): Pathogenic (1 of 4 stars; one submission).

Conditions:
Glycogen storage disease IXc (GSD9C). Also called: GSD IXc. Identifiers: Orphanet 264580, MedGen C2751643, MONDO:0013091, OMIM 613027.

gnomAD v4.1: 2 of 1,614,176 alleles (0.00012%); highest among the groups gnomAD compares: Non-Finnish European, 0.00017%; no homozygotes.

Submission:

Mendelics
Classification: Pathogenic for Glycogen storage disease IXc. Last evaluated: 2026-03-05. Review status: criteria provided, single submitter. Criteria: ACMG Guidelines, 2015. Collection method: clinical testing. Allele origin: unknown.
Comment: Likely pathogenic/Pathogenic according to ACMG criteria.